The following is an entry in ClinVar:

NM_001128840.3(CACNA1D):c.3995G>A (p.Arg1332Lys)

Gene: CACNA1D (calcium voltage-gated channel subunit alpha1 D; plus strand). Cytogenetic location: 3p21.1.
Variant type: single nucleotide variant.
Coding change: c.3995G>A on transcript NM_001128840.3 (MANE Select); coding-DNA position 3995, G replaced by A.
Protein change: p.Arg1332Lys; replaces arginine 1332 with lysine.
Molecular consequence: missense variant.
Genome position (GRCh38, 1-based): chr3:53,770,503, G>A. VCF-style: chr3-53770503-G-A. GRCh37 (hg19) VCF-style: chr3-53804530-G-A.
Other names: c.4055G>A, p.Arg1352Lys (NM_000720.4); c.3950G>A, p.Arg1317Lys (NM_001128839.3); short protein forms R1317K, R1332K, R1352K.
Identifiers: ClinVar variation 1195224 (VCV001195224.10), dbSNP rs148194645, ClinGen allele CA2454755.

ClinVar aggregate classification (germline): Uncertain significance. Review status: criteria provided, multiple submitters, no conflicts (2 of 4 stars). 3 submissions from 3 submitters: Uncertain significance (3). Last evaluated 2025-12-05.

Conditions:
Inborn genetic diseases. Identifiers: MedGen C0950123, MeSH D030342.

Allele frequency attached by ClinVar (database versions not stated): ExAC 0.00002; gnomAD exomes 0.00003; gnomAD 0.00005 and 0.00006; TOPMed 0.00005; ESP Exome Variant Server 0.00008.
gnomAD v4.1: 134 of 1,612,862 alleles (0.0083%); highest among the groups gnomAD compares: Non-Finnish European, 0.01%; no homozygotes.

Submissions (3):

Ambry Genetics
Classification: Uncertain significance for Inborn genetic diseases. Last evaluated: 2025-12-05. Review status: criteria provided, single submitter. Criteria: Ambry Variant Classification Scheme 2023. Collection method: clinical testing. Allele origin: germline.
Comment: The c.4055G>A (p.R1352K) alteration is located in exon 33 (coding exon 33) of the CACNA1D gene. This alteration results from a G to A substitution at nucleotide position 4055, causing the arginine (R) at amino acid position 1352 to be replaced by a lysine (K). Based on data from gnomAD, the A allele has an overall frequency of 0.003% (9/282878) total alleles studied. The highest observed frequency was 0.007% (9/129190) of European (non-Finnish) alleles. Based on insufficient or conflicting evidence, the clinical significance of this alteration remains unclear.

Labcorp Genetics (formerly Invitae), Labcorp
Classification: Uncertain significance. Last evaluated: 2025-10-25. Review status: criteria provided, single submitter. Criteria: Invitae Variant Classification Sherloc (09022015). Collection method: clinical testing. Allele origin: germline.
Comment: This sequence change replaces arginine, which is basic and polar, with lysine, which is basic and polar, at codon 1352 of the CACNA1D protein (p.Arg1352Lys). This variant is present in population databases (rs148194645, gnomAD 0.007%). This variant has not been reported in the literature in individuals affected with CACNA1D-related conditions. ClinVar contains an entry for this variant (Variation ID: 1195224). An algorithm developed to predict the effect of missense changes on protein structure and function (PolyPhen-2) suggests that this variant is likely to be disruptive. In summary, the available evidence is currently insufficient to determine the role of this variant in disease. Therefore, it has been classified as a Variant of Uncertain Significance.

GeneDx
Classification: Uncertain significance. Last evaluated: 2020-08-31. Review status: criteria provided, single submitter. Criteria: GeneDx Variant Classification Process June 2021. Collection method: clinical testing. Allele origin: germline. Affected: yes.
Comment: In silico analysis supports that this missense variant does not alter protein structure/function; Has not been previously published as pathogenic or benign to our knowledge